The following is an entry in ClinVar:

ClinVar aggregate classification (germline): Uncertain significance (1 of 4 stars; one submission).

gnomAD v4.1: 3 of 1,494,466 alleles (0.0002%); highest among the groups gnomAD compares: Non-Finnish European, 0.00027%; no homozygotes.

Submission:

Ambry Genetics
Classification: Uncertain significance. Last evaluated: 2024-12-24. Review status: criteria provided, single submitter. Criteria: Ambry Variant Classification Scheme 2023. Collection method: clinical testing. Allele origin: germline.
Comment: The p.G1482A variant (also known as c.4445G>C), located in coding exon 14 of the CDK12 gene, results from a G to C substitution at nucleotide position 4445. The glycine at codon 1482 is replaced by alanine, an amino acid with similar properties. This amino acid position is conserved. In addition, the in silico prediction for this alteration is inconclusive. Based on the available evidence, the clinical significance of this variant remains unclear.

NM_016507.4(CDK12):c.4445G>C (p.Gly1482Ala)

Gene: CDK12 (cyclin dependent kinase 12; plus strand). Cytogenetic location: 17q12.
Variant type: single nucleotide variant.
Coding change: c.4445G>C on transcript NM_016507.4 (MANE Select); coding-DNA position 4445, G replaced by C.
Protein change: p.Gly1482Ala; replaces glycine 1482 with alanine.
Molecular consequence: missense variant.
Genome position (GRCh38, 1-based): chr17:39,531,288, G>C. VCF-style: chr17-39531288-G-C. GRCh37 (hg19) VCF-style: chr17-37687541-G-C.
Other names: c.4418G>C, p.Gly1473Ala (NM_015083.4); short protein forms G1473A, G1482A.
Identifiers: ClinVar variation 3830408 (VCV003830408.1).
Genomic context (GRCh38, chr17:39,531,288, plus strand): 5'-CAACTCAGTCTTCTGCTTATGGAAAACTCTATCGGGGGCCTACAAGAGTCCCACCAAGAG[G>C]GGGAAGAGGGAGAGGAGTTCCTTACTAACCCAGAGACTTCAGTGTCCTGAAAGATTCCTT-3'
Protein context (NP_057591.2, residues 1472-1490): YRGPTRVPPR[Gly1482Ala]GRGRGVPY